The following is an entry in ClinVar:

NM_017514.5(PLXNA3):c.578C>A (p.Ala193Glu)

Gene: PLXNA3 (plexin A3; plus strand). Cytogenetic location: Xq28.
Variant type: single nucleotide variant.
Coding change: c.578C>A on transcript NM_017514.5 (MANE Select); coding-DNA position 578, C replaced by A.
Protein change: p.Ala193Glu; replaces alanine 193 with glutamic acid.
Molecular consequence: missense variant.
Genome position (GRCh38, 1-based): chrX:154,460,761, C>A. VCF-style: chrX-154460761-C-A. GRCh37 (hg19) VCF-style: chrX-153689101-C-A.
Other names: short protein forms A193E.
Identifiers: ClinVar variation 2461041 (VCV002461041.3), dbSNP rs200421034, ClinGen allele CA10563726.

ClinVar aggregate classification (germline): Uncertain significance. Review status: criteria provided, single submitter (1 of 4 stars). 2 submissions from 2 submitters: Uncertain significance (1). 1 of the submissions does not count toward it. Last evaluated 2023-02-16.

Conditions:
PLXNA3-related disorder. Also called: PLXNA3-related condition.

gnomAD v4.1: 49 of 1,117,788 alleles (0.0044%); highest among the groups gnomAD compares: African/African-American, 0.02%; no homozygotes.

Submissions (2):

Ambry Genetics
Classification: Uncertain significance. Last evaluated: 2023-02-16. Review status: criteria provided, single submitter. Criteria: Ambry Variant Classification Scheme 2023. Collection method: clinical testing. Allele origin: germline.

PreventionGenetics, part of Exact Sciences
Classification: Uncertain significance for PLXNA3-related condition. Last evaluated: 2024-07-01. Review status: no assertion criteria provided. Collection method: clinical testing. Allele origin: germline. Not counted in ClinVar's aggregate classification.
Comment: The PLXNA3 c.578C>A variant is predicted to result in the amino acid substitution p.Ala193Glu. To our knowledge, this variant has not been reported in the literature. This variant is reported in 0.023% of alleles in individuals of African descent, and in 4 hemizygotes, in gnomAD. Although we suspect that this variant may be benign, at this time, the clinical significance of this variant is uncertain due to the absence of conclusive functional and genetic evidence.